The following is an entry in ClinVar:

NM_004304.5(ALK):c.2451C>A (p.Gly817=)

Gene: ALK (ALK receptor tyrosine kinase; minus strand). Cytogenetic location: 2p23.2.
Variant type: single nucleotide variant.
Coding change: c.2451C>A on transcript NM_004304.5 (MANE Select); coding-DNA position 2451, C replaced by A.
Protein change: p.Gly817=; no amino-acid change (glycine 817 retained).
Molecular consequence: synonymous variant.
Genome position (GRCh38, 1-based): chr2:29,233,601, G>T on the plus strand (C>A on the coding strand, the complement: ALK is on the minus strand). VCF-style: chr2-29233601-G-T. GRCh37 (hg19) VCF-style: chr2-29456467-G-T.
Identifiers: ClinVar variation 3234821 (VCV003234821.20), dbSNP rs183314518, ClinGen allele CA425436787.

ClinVar aggregate classification (germline): Likely benign (1 of 4 stars; one submission).

Submission:

CeGaT Center for Human Genetics Tuebingen
Classification: Likely benign. Last evaluated: 2024-04-01. Review status: criteria provided, single submitter. Criteria: CeGaT Center For Human Genetics Tuebingen Variant Classification Criteria Version 2. Collection method: clinical testing. Allele origin: germline. Affected: yes. Observed: 1 variant allele.
Comment: ALK: PM2:Supporting, BP4, BP7